The following is an entry in ClinVar:

NM_004006.3(DMD):c.6855A>G (p.Pro2285=)

Gene: DMD (dystrophin; minus strand). Cytogenetic location: Xp21.1.
Variant type: single nucleotide variant.
Coding change: c.6855A>G on transcript NM_004006.3 (MANE Select); coding-DNA position 6855, A replaced by G.
Protein change: p.Pro2285=; no amino-acid change (proline 2285 retained).
Molecular consequence: synonymous variant. On other transcripts: 5 prime UTR variant (5).
Genome position (GRCh38, 1-based): chrX:31,929,653, T>C on the plus strand (A>G on the coding strand, the complement: DMD is on the minus strand). VCF-style: chrX-31929653-T-C. GRCh37 (hg19) VCF-style: chrX-31947770-T-C.
Other names: c.6831A>G, p.Pro2277= (NM_000109.4); c.6843A>G, p.Pro2281= (NM_004009.3); c.6486A>G, p.Pro2162= (NM_004010.3); c.2832A>G, p.Pro944= (NM_004011.4); c.2823A>G, p.Pro941= (NM_004012.4); c.-526A>G (NM_004013.3, NM_004020.4, NM_004021.3 and 2 more transcripts).
Identifiers: ClinVar variation 1141916 (VCV001141916.13), dbSNP rs766079487, ClinGen allele CA515859619.

ClinVar aggregate classification (germline): Likely benign. Review status: criteria provided, multiple submitters, no conflicts (2 of 4 stars). 2 submissions from 2 submitters: Likely benign (2). Last evaluated 2026-02-01.

Conditions:
Duchenne muscular dystrophy (DMD). Also called: MUSCULAR DYSTROPHY, PSEUDOHYPERTROPHIC PROGRESSIVE, DUCHENNE TYPE; Duchenne Muscular Dystrophy (DMD). Identifiers: Orphanet 98896, MedGen C0013264, MONDO:0010679, OMIM 310200.

gnomAD v4.1: 4 of 1,211,461 alleles (0.00033%); highest among the groups gnomAD compares: Admixed American, 0.0087%; no homozygotes.

Submissions (2):

CeGaT Center for Human Genetics Tuebingen
Classification: Likely benign. Last evaluated: 2026-02-01. Review status: criteria provided, single submitter. Criteria: CeGaT Center For Human Genetics Tuebingen Variant Classification Criteria Version 2. Collection method: clinical testing. Allele origin: germline. Affected: yes. Observed: 1 variant allele.
Comment: DMD: BP4, BP7

Labcorp Genetics (formerly Invitae), Labcorp
Classification: Likely benign for Duchenne muscular dystrophy. Last evaluated: 2025-08-29. Review status: criteria provided, single submitter. Criteria: Invitae Variant Classification Sherloc (09022015). Collection method: clinical testing. Allele origin: germline.